The following is an entry in ClinVar:

NM_004304.5(ALK):c.4763A>C (p.Gln1588Pro)

Gene: ALK (ALK receptor tyrosine kinase; minus strand). Cytogenetic location: 2p23.2.
Variant type: single nucleotide variant.
Coding change: c.4763A>C on transcript NM_004304.5 (MANE Select); coding-DNA position 4763, A replaced by C.
Protein change: p.Gln1588Pro; replaces glutamine 1588 with proline.
Molecular consequence: missense variant.
Genome position (GRCh38, 1-based): chr2:29,193,324, T>G on the plus strand (A>C on the coding strand, the complement: ALK is on the minus strand). VCF-style: chr2-29193324-T-G. GRCh37 (hg19) VCF-style: chr2-29416190-T-G.
Other names: c.1559A>C, p.Gln520Pro (NM_001353765.2); short protein forms Q1588P, Q520P.
Identifiers: ClinVar variation 1408028 (VCV001408028.6), dbSNP rs2148137204, ClinGen allele CA346460295.

ClinVar aggregate classification (germline): Uncertain significance (1 of 4 stars; one submission).

Conditions:
Neuroblastoma, susceptibility to, 3. Also called: ALK-Related Neuroblastic Tumor Susceptibility. Identifiers: Orphanet 635, MedGen C2751681, MONDO:0013083, OMIM 613014.

gnomAD v4.1: 1 of 1,614,190 alleles (0.000062%); highest among the groups gnomAD compares: Non-Finnish European, 0.000085%; no homozygotes.

Submission:

Labcorp Genetics (formerly Invitae), Labcorp
Classification: Uncertain significance for Neuroblastoma, susceptibility to, 3. Last evaluated: 2025-04-13. Review status: criteria provided, single submitter. Criteria: Invitae Variant Classification Sherloc (09022015). Collection method: clinical testing. Allele origin: germline.
Comment: This sequence change replaces glutamine, which is neutral and polar, with proline, which is neutral and non-polar, at codon 1588 of the ALK protein (p.Gln1588Pro). This variant is not present in population databases (gnomAD no frequency). This variant has not been reported in the literature in individuals affected with ALK-related conditions. ClinVar contains an entry for this variant (Variation ID: 1408028). An algorithm developed to predict the effect of missense changes on protein structure and function (PolyPhen-2) suggests that this variant is likely to be disruptive. In summary, the available evidence is currently insufficient to determine the role of this variant in disease. Therefore, it has been classified as a Variant of Uncertain Significance.